The following is an entry in ClinVar:

NM_016151.4(TAOK2):c.1367G>A (p.Arg456His)

Gene: TAOK2 (TAO kinase 2; plus strand). Cytogenetic location: 16p11.2.
Variant type: single nucleotide variant.
Coding change: c.1367G>A on transcript NM_016151.4 (MANE Select); coding-DNA position 1367, G replaced by A.
Protein change: p.Arg456His; replaces arginine 456 with histidine.
Molecular consequence: missense variant.
Genome position (GRCh38, 1-based): chr16:29,983,609, G>A. VCF-style: chr16-29983609-G-A. GRCh37 (hg19) VCF-style: chr16-29994930-G-A.
Other names: c.1367G>A, p.Arg456His (NM_001252043.2, NM_004783.4); c.1367G>A (NM_016151.2); short protein forms R456H.
Identifiers: ClinVar variation 2752410 (VCV002752410.4), dbSNP rs771711319, ClinGen allele CA7998125.

ClinVar aggregate classification (germline): Uncertain significance. Review status: criteria provided, multiple submitters, no conflicts (2 of 4 stars). 2 submissions from 2 submitters: Uncertain significance (2). Last evaluated 2025-01-28.

Allele frequency attached by ClinVar (database versions not stated): ExAC 0.00002; gnomAD exomes 0.00002; TOPMed 0.00002; gnomAD 0.00003.
gnomAD v4.1: 37 of 1,613,548 alleles (0.0023%); highest among the groups gnomAD compares: Middle Eastern, 0.017%; no homozygotes.

Submissions (2):

Ambry Genetics
Classification: Uncertain significance. Last evaluated: 2025-01-28. Review status: criteria provided, single submitter. Criteria: Ambry Variant Classification Scheme 2023. Collection method: clinical testing. Allele origin: germline.

Labcorp Genetics (formerly Invitae), Labcorp
Classification: Uncertain significance. Last evaluated: 2024-04-06. Review status: criteria provided, single submitter. Criteria: Invitae Variant Classification Sherloc (09022015). Collection method: clinical testing. Allele origin: germline.
Comment: This sequence change replaces arginine, which is basic and polar, with histidine, which is basic and polar, at codon 456 of the TAOK2 protein (p.Arg456His). This variant is present in population databases (rs771711319, gnomAD 0.006%). This variant has not been reported in the literature in individuals affected with TAOK2-related conditions. An algorithm developed to predict the effect of missense changes on protein structure and function (PolyPhen-2) suggests that this variant is likely to be tolerated. In summary, the available evidence is currently insufficient to determine the role of this variant in disease. Therefore, it has been classified as a Variant of Uncertain Significance.